The following is an entry in ClinVar:

NM_006445.4(PRPF8):c.65C>T (p.Pro22Leu)

Gene: PRPF8 (pre-mRNA processing factor 8; minus strand). Cytogenetic location: 17p13.3.
Variant type: single nucleotide variant.
Coding change: c.65C>T on transcript NM_006445.4 (MANE Select); coding-DNA position 65, C replaced by T.
Protein change: p.Pro22Leu; replaces proline 22 with leucine.
Molecular consequence: missense variant.
Genome position (GRCh38, 1-based): chr17:1,684,507, G>A on the plus strand (C>T on the coding strand, the complement: PRPF8 is on the minus strand). VCF-style: chr17-1684507-G-A. GRCh37 (hg19) VCF-style: chr17-1587801-G-A.
Other names: short protein forms P22L.
Identifiers: ClinVar variation 4693798 (VCV004693798.1).

ClinVar aggregate classification (germline): Uncertain significance (1 of 4 stars; one submission).

Submission:

Labcorp Genetics (formerly Invitae), Labcorp
Classification: Uncertain significance. Last evaluated: 2025-03-24. Review status: criteria provided, single submitter. Criteria: Invitae Variant Classification Sherloc (09022015). Collection method: clinical testing. Allele origin: germline.
Comment: This sequence change replaces proline, which is neutral and non-polar, with leucine, which is neutral and non-polar, at codon 22 of the PRPF8 protein (p.Pro22Leu). This variant is present in population databases (rs776660369, gnomAD 0.01%). This variant has not been reported in the literature in individuals affected with PRPF8-related conditions. An algorithm developed to predict the effect of missense changes on protein structure and function (PolyPhen-2) suggests that this variant is likely to be tolerated. In summary, the available evidence is currently insufficient to determine the role of this variant in disease. Therefore, it has been classified as a Variant of Uncertain Significance.